The following is an entry in ClinVar:

ClinVar aggregate classification (germline): Pathogenic. Review status: criteria provided, multiple submitters, no conflicts (2 of 4 stars). 2 submissions from 2 submitters: Pathogenic (2). Last evaluated 2023-04-26.

Conditions:
Hereditary cancer-predisposing syndrome. Also called: Hereditary Cancer Syndrome; Neoplastic Syndromes, Hereditary; Tumor predisposition; Hereditary neoplastic syndrome. Identifiers: Orphanet 140162, MedGen C0027672, MeSH D009386, MONDO:0015356.
Microcephaly, normal intelligence and immunodeficiency (NBS). Also called: IMMUNODEFICIENCY, MICROCEPHALY, AND CHROMOSOMAL INSTABILITY; SEEMANOVA SYNDROME II; Immunodeficiency, microcephaly with normal intelligence; Ataxia telangiectasia variant V1; Nijmegen breakage syndrome; Microcephaly with normal intelligence immunodeficiency and lymphoreticular malignancies. Identifiers: Orphanet 647, MedGen C0398791, MONDO:0009623, OMIM 251260.

Submissions (2):

Ambry Genetics
Classification: Pathogenic for Hereditary cancer-predisposing syndrome. Last evaluated: 2023-04-26. Review status: criteria provided, single submitter. Criteria: Ambry Variant Classification Scheme 2023. Collection method: clinical testing. Allele origin: germline.
Comment: The p.K686* pathogenic mutation (also known as c.2056A>T), located in coding exon 13 of the NBN gene, results from an A to T substitution at nucleotide position 2056. This changes the amino acid from a lysine to a stop codon within coding exon 13. This alteration is expected to result in loss of function by premature protein truncation or nonsense-mediated mRNA decay. As such, this alteration is interpreted as a disease-causing mutation.

Labcorp Genetics (formerly Invitae), Labcorp
Classification: Pathogenic for Microcephaly, normal intelligence and immunodeficiency. Last evaluated: 2022-05-10. Review status: criteria provided, single submitter. Criteria: Invitae Variant Classification Sherloc (09022015). Collection method: clinical testing. Allele origin: germline.
Comment: For these reasons, this variant has been classified as Pathogenic. ClinVar contains an entry for this variant (Variation ID: 187686). This variant has not been reported in the literature in individuals affected with NBN-related conditions. This variant is not present in population databases (gnomAD no frequency). This sequence change creates a premature translational stop signal (p.Lys686*) in the NBN gene. It is expected to result in an absent or disrupted protein product. Loss-of-function variants in NBN are known to be pathogenic (PMID: 9590180, 16415040).

Literature cited by the submitters: PubMed 9590180 (cited by Labcorp Genetics (formerly Invitae), Labcorp); PubMed 16415040 (cited by Labcorp Genetics (formerly Invitae), Labcorp).

NM_002485.5(NBN):c.2056A>T (p.Lys686Ter)

Gene: NBN (nibrin; minus strand). Cytogenetic location: 8q21.3.
Variant type: single nucleotide variant.
Coding change: c.2056A>T on transcript NM_002485.5 (MANE Select); coding-DNA position 2056, A replaced by T.
Protein change: p.Lys686Ter; replaces lysine 686 with a stop codon.
Molecular consequence: nonsense.
Genome position (GRCh38, 1-based): chr8:89,946,154, T>A on the plus strand (A>T on the coding strand, the complement: NBN is on the minus strand). VCF-style: chr8-89946154-T-A. GRCh37 (hg19) VCF-style: chr8-90958382-T-A.
Other names: c.1810A>T, p.Lys604Ter (NM_001024688.3); short protein forms K686*, K604*.
Identifiers: ClinVar variation 187686 (VCV000187686.10), dbSNP rs786203920, ClinGen allele CA198303.